The following is an entry in ClinVar:

NM_001845.6(COL4A1):c.3816C>T (p.Gly1272=)

Gene: COL4A1 (collagen type IV alpha 1 chain; minus strand). Cytogenetic location: 13q34.
Variant type: single nucleotide variant.
Coding change: c.3816C>T on transcript NM_001845.6 (MANE Select); coding-DNA position 3816, C replaced by T.
Protein change: p.Gly1272=; no amino-acid change (glycine 1272 retained).
Molecular consequence: synonymous variant.
Genome position (GRCh38, 1-based): chr13:110,169,689, G>A on the plus strand (C>T on the coding strand, the complement: COL4A1 is on the minus strand). VCF-style: chr13-110169689-G-A. GRCh37 (hg19) VCF-style: chr13-110822036-G-A.
Identifiers: ClinVar variation 2643937 (VCV002643937.24), dbSNP rs1370132798, ClinGen allele CA484788738.

ClinVar aggregate classification (germline): Likely benign (1 of 4 stars; one submission).

Allele frequency attached by ClinVar (database versions not stated): gnomAD exomes below 0.00001.
gnomAD v4.1: 1 of 1,614,094 alleles (0.000062%); highest among the groups gnomAD compares: South Asian, 0.0011%; no homozygotes.

Submission:

CeGaT Center for Human Genetics Tuebingen
Classification: Likely benign. Last evaluated: 2022-08-01. Review status: criteria provided, single submitter. Criteria: CeGaT Center For Human Genetics Tuebingen Variant Classification Criteria Version 2. Collection method: clinical testing. Allele origin: germline. Affected: yes. Observed: 1 variant allele.
Comment: COL4A1: BP4, BP7